The following is an entry in ClinVar:

NM_001848.3(COL6A1):c.*260A>G

Gene: COL6A1 (collagen type VI alpha 1 chain; plus strand). Cytogenetic location: 21q22.3.
Variant type: single nucleotide variant.
Coding change: c.*260A>G on transcript NM_001848.3 (MANE Select); 260 bases downstream of the stop codon, A replaced by G.
Molecular consequence: 3 prime UTR variant.
Genome position (GRCh38, 1-based): chr21:46,004,273, A>G. VCF-style: chr21-46004273-A-G. GRCh37 (hg19) VCF-style: chr21-47424187-A-G.
Identifiers: ClinVar variation 340336 (VCV000340336.9), dbSNP rs1053331, ClinGen allele CA10653077.

ClinVar aggregate classification (germline): Benign. Review status: criteria provided, multiple submitters, no conflicts (2 of 4 stars). 5 submissions from 5 submitters: Benign (3). 2 of the submissions do not count toward it. Last evaluated 2018-06-14.

Conditions:
Collagen 6-related myopathy. Identifiers: MedGen CN117976, MONDO:0100225.

Allele frequency attached by ClinVar (database versions not stated): gnomAD exomes 0.85568; 1000 Genomes Project 0.87041; 1000 Genomes Project 30x 0.87211; TOPMed 0.88001; gnomAD 0.88428.
gnomAD v4.1: 483,584 of 561,838 alleles (86%); highest among the groups gnomAD compares: African/African-American, 92%; 208,556 homozygotes.

Submissions (5):

GeneDx
Classification: Benign. Last evaluated: 2018-06-14. Review status: criteria provided, single submitter. Criteria: GeneDx Variant Classification Process June 2021. Collection method: clinical testing. Allele origin: germline. Affected: yes.

Illumina Laboratory Services, Illumina
Classification: Benign for Collagen VI-related myopathy. Last evaluated: 2018-01-12. Review status: criteria provided, single submitter. Criteria: ICSL Variant Classification Criteria 13 December 2019. Collection method: clinical testing. Allele origin: germline.
Comment: This variant was observed in the ICSL laboratory as part of a predisposition screen in an ostensibly healthy population. It had not been previously curated by ICSL or reported in the Human Gene Mutation Database (HGMD: prior to June 1st, 2018), and was therefore a candidate for classification through an automated scoring system. Utilizing variant allele frequency, disease prevalence and penetrance estimates, and inheritance mode, an automated score was calculated to assess if this variant is too frequent to cause the disease. Based on the score and internal cut-off values, a variant classified as benign is not then subjected to further curation. The score for this variant resulted in a classification of benign for this disease.

Breakthrough Genomics
Classification: Benign. Review status: criteria provided, single submitter. Criteria: ACMG Guidelines, 2015. Collection method: not provided. Allele origin: germline. Inheritance: Autosomal recessive inheritance. Affected: yes.

Clinical Genetics, Academic Medical Center
Classification: Benign. Review status: no assertion criteria provided. Collection method: clinical testing. Allele origin: germline. Affected: yes. Study: VKGL Data-share Consensus. Not counted in ClinVar's aggregate classification.

Genome Diagnostics Laboratory, University Medical Center Utrecht
Classification: Benign. Review status: no assertion criteria provided. Collection method: clinical testing. Allele origin: germline. Affected: yes. Study: VKGL Data-share Consensus. Not counted in ClinVar's aggregate classification.